The following is an entry in ClinVar:

NM_001669.4(ARSD):c.1000+810T>C

Gene: ARSD (arylsulfatase D; minus strand). Cytogenetic location: Xp22.33.
Variant type: single nucleotide variant.
Coding change: c.1000+810T>C on transcript NM_001669.4 (MANE Select); 810 bases into the intron after coding-DNA position 1000, T replaced by C.
Molecular consequence: intron variant. On other transcripts: missense variant (1).
Genome position (GRCh38, 1-based): chrX:2,914,746, A>G on the plus strand (T>C on the coding strand, the complement: ARSD is on the minus strand). VCF-style: chrX-2914746-A-G. GRCh37 (hg19) VCF-style: chrX-2832787-A-G.
Other names: c.1028T>C, p.Val343Ala (NM_009589.5); short protein forms V343A.
Identifiers: ClinVar variation 3059915 (VCV003059915.2), dbSNP rs73632954, ClinGen allele CA10337584.

ClinVar aggregate classification (germline): Likely benign (0 of 4 stars; one submission).

Conditions:
ARSD-related disorder. Also called: ARSD-related condition.

Allele frequency attached by ClinVar (database versions not stated): ExAC 0.00962.

Submission:

PreventionGenetics, part of Exact Sciences
Classification: Likely benign for ARSD-related condition. Last evaluated: 2020-07-31. Review status: no assertion criteria provided. Collection method: clinical testing. Allele origin: germline.
Comment: This variant is classified as likely benign based on ACMG/AMP sequence variant interpretation guidelines (Richards et al. 2015 PMID: 25741868, with internal and published modifications).